The following is an entry in ClinVar:

NM_032638.5(GATA2):c.491C>T (p.Ala164Val)

Gene: GATA2 (GATA binding protein 2; minus strand). Cytogenetic location: 3q21.3.
Variant type: single nucleotide variant.
Coding change: c.491C>T on transcript NM_032638.5 (MANE Select); coding-DNA position 491, C replaced by T.
Protein change: p.Ala164Val; replaces alanine 164 with valine.
Molecular consequence: missense variant.
Genome position (GRCh38, 1-based): chr3:128,486,107, G>A on the plus strand (C>T on the coding strand, the complement: GATA2 is on the minus strand). VCF-style: chr3-128486107-G-A. GRCh37 (hg19) VCF-style: chr3-128204950-G-A.
Other names: c.491C>T, p.Ala164Val (NM_001145661.2, NM_001145662.1); short protein forms A164V.
Identifiers: ClinVar variation 1358685 (VCV001358685.8), dbSNP rs17844950, ClinGen allele CA83371977.
Genomic context (GRCh38, chr3:128,486,107, plus strand): 5'-TCAGGAGACACTTCTTTGGGTGGCGTGGGTGGGAAGCCGAAAAGGTGGGAGCCAGAGTGG[G>A]CTGCTGTAGGGGTGAGGGAGGCCACTGAGCTCCCGCTGCCTCCCCCGCTCCCACCCCCAG-3'
Protein context (NP_116027.2, residues 154-174): SSVASLTPTA[Ala164Val]HSGSHLFGFP

ClinVar aggregate classification (germline): Uncertain significance (1 of 4 stars; one submission).

Conditions:
Deafness-lymphedema-leukemia syndrome. Also called: Emberger syndrome; Lymphedema, primary, with myelodysplasia. Identifiers: Orphanet 3226, MedGen C3279664, MONDO:0013540, OMIM 614038.
Monocytopenia with susceptibility to infections. Also called: IMMUNODEFICIENCY 21; GATA2 DEFICIENCY; MONOCYTOPENIA AND MYCOBACTERIAL INFECTION SYNDROME; MONOCYTOPENIA WITH SUSCEPTIBILITY TO MYCOBACTERIAL, FUNGAL, AND PAPILLOMAVIRUS INFECTIONS AND MYELODYSPLASIA; COMBINED IMMUNODEFICIENCY WITH SUSCEPTIBILITY TO MYCOBACTERIAL, VIRAL, AND FUNGAL INFECTIONS; Dendritic cell, monocyte, B lymphocyte, and natural killer lymphocyte deficiency. Identifiers: Orphanet 228423, MedGen C3280030, MONDO:0013607, OMIM 614172.

Allele frequency attached by ClinVar (database versions not stated): TOPMed below 0.00001.
gnomAD v4.1: 2 of 1,613,292 alleles (0.00012%); highest among the groups gnomAD compares: African/African-American, 0.0027%; no homozygotes.

Submission:

Labcorp Genetics (formerly Invitae), Labcorp
Classification: Uncertain significance for Monocytopenia with susceptibility to infections; Deafness-lymphedema-leukemia syndrome. Last evaluated: 2023-08-17. Review status: criteria provided, single submitter. Criteria: Invitae Variant Classification Sherloc (09022015). Collection method: clinical testing. Allele origin: germline.
Comment: This variant has not been reported in the literature in individuals affected with GATA2-related conditions. In summary, the available evidence is currently insufficient to determine the role of this variant in disease. Therefore, it has been classified as a Variant of Uncertain Significance. Advanced modeling of protein sequence and biophysical properties (such as structural, functional, and spatial information, amino acid conservation, physicochemical variation, residue mobility, and thermodynamic stability) performed at Invitae indicates that this missense variant is not expected to disrupt GATA2 protein function. ClinVar contains an entry for this variant (Variation ID: 1358685). This variant is not present in population databases (gnomAD no frequency). This sequence change replaces alanine, which is neutral and non-polar, with valine, which is neutral and non-polar, at codon 164 of the GATA2 protein (p.Ala164Val).